The following is an entry in ClinVar:

NM_024529.5(CDC73):c.729G>A (p.Lys243=)

Gene: CDC73 (cell division cycle 73; plus strand). Cytogenetic location: 1q31.2.
Variant type: single nucleotide variant.
Coding change: c.729G>A on transcript NM_024529.5 (MANE Select); coding-DNA position 729, G replaced by A.
Protein change: p.Lys243=; no amino-acid change (lysine 243 retained).
Molecular consequence: synonymous variant.
Genome position (GRCh38, 1-based): chr1:193,142,066, G>A. VCF-style: chr1-193142066-G-A. GRCh37 (hg19) VCF-style: chr1-193111196-G-A.
Identifiers: ClinVar variation 1758159 (VCV001758159.3), dbSNP rs2103126521, ClinGen allele CA422345272.

ClinVar aggregate classification (germline): Uncertain significance (1 of 4 stars; one submission).

Conditions:
Hereditary cancer-predisposing syndrome. Also called: Neoplastic Syndromes, Hereditary; Tumor predisposition; Hereditary Cancer Syndrome; Hereditary neoplastic syndrome. Identifiers: Orphanet 140162, MedGen C0027672, MeSH D009386, MONDO:0015356.

Submission:

Ambry Genetics
Classification: Uncertain significance for Hereditary cancer-predisposing syndrome. Last evaluated: 2023-05-01. Review status: criteria provided, single submitter. Criteria: Ambry Variant Classification Scheme 2023. Collection method: clinical testing. Allele origin: germline.
Comment: The c.729G>A variant (also known as p.K243K), located in coding exon 7 of the CDC73 gene, results from a G to A substitution at nucleotide position 729. This nucleotide substitution does not change the at codon 243. However, this change occurs in the last base pair of coding exon 7, which makes it likely to have some effect on normal mRNA splicing. This nucleotide position is well conserved in available vertebrate species. In silico splice site analysis predicts that this alteration will weaken the native splice donor site; however, direct evidence is insufficient at this time (Ambry internal data). Since supporting evidence is limited at this time, the clinical significance of this alteration remains unclear.